The following is an entry in ClinVar:

NM_012123.4(MTO1):c.938G>A (p.Arg313Gln)

Gene: MTO1 (mitochondrial tRNA translation optimization 1; plus strand). Cytogenetic location: 6q13.
Variant type: single nucleotide variant.
Coding change: c.938G>A on transcript NM_012123.4 (MANE Select); coding-DNA position 938, G replaced by A.
Protein change: p.Arg313Gln; replaces arginine 313 with glutamine.
Molecular consequence: missense variant.
Genome position (GRCh38, 1-based): chr6:73,479,844, G>A. VCF-style: chr6-73479844-G-A. GRCh37 (hg19) VCF-style: chr6-74189567-G-A.
Other names: c.938G>A, p.Arg313Gln (NM_001123226.2, NM_133645.3); c.938G>A (NM_012123.3); short protein forms R313Q.
Identifiers: ClinVar variation 488550 (VCV000488550.13), dbSNP rs371179032, ClinGen allele CA3889474.

ClinVar aggregate classification (germline): Conflicting classifications of pathogenicity. Review status: criteria provided, conflicting classifications (1 of 4 stars). 3 submissions from 3 submitters: Likely pathogenic (2); Uncertain significance (1). Last evaluated 2025-07-24.

Conditions:
Mitochondrial hypertrophic cardiomyopathy with lactic acidosis due to MTO1 deficiency. Also called: CARDIOMYOPATHY, INFANTILE HYPERTROPHIC MITOCHONDRIAL, AND LACTIC ACIDOSIS; Combined oxidative phosphorylation deficiency 10. Identifiers: Orphanet 314637, MedGen C4749921, MONDO:0013865, OMIM 614702.

Allele frequency attached by ClinVar (database versions not stated): gnomAD exomes 0.00001 and 0.00002; TOPMed 0.00003; ExAC 0.00001; gnomAD 0.00001; ESP Exome Variant Server 0.00008.
gnomAD v4.1: 29 of 1,610,018 alleles (0.0018%); highest among the groups gnomAD compares: African/African-American, 0.0053%; no homozygotes.

Submissions (3):

GeneDx
Classification: Likely pathogenic. Last evaluated: 2025-07-24. Review status: criteria provided, single submitter. Criteria: GeneDx Variant Classification Process June 2021. Collection method: clinical testing. Allele origin: germline.
Comment: Not observed at significant frequency in large population cohorts (gnomAD); Alters the last nucleotide of the exon and is predicted to destroy the splice donor site and result in aberrant splicing, although in the absence of functional evidence the actual effect of this sequence change is unknown; This variant is associated with the following publications: (PMID: 29440775, 30369941)

Labcorp Genetics (formerly Invitae), Labcorp
Classification: Uncertain significance for Mitochondrial hypertrophic cardiomyopathy with lactic acidosis due to MTO1 deficiency. Last evaluated: 2022-05-14. Review status: criteria provided, single submitter. Criteria: Invitae Variant Classification Sherloc (09022015). Collection method: clinical testing. Allele origin: germline.
Comment: This sequence change replaces arginine, which is basic and polar, with glutamine, which is neutral and polar, at codon 313 of the MTO1 protein (p.Arg313Gln). This variant also falls at the last nucleotide of exon 5, which is part of the consensus splice site for this exon. This variant is present in population databases (rs371179032, gnomAD 0.007%). This missense change has been observed in individual(s) with clinical features of autosomal recessive combined oxidative phosphorylation deficiency (PMID: 30369941). ClinVar contains an entry for this variant (Variation ID: 488550). Algorithms developed to predict the effect of missense changes on protein structure and function are either unavailable or do not agree on the potential impact of this missense change (SIFT: "Deleterious"; PolyPhen-2: "Probably Damaging"; Align-GVGD: "Class C0"). Variants that disrupt the consensus splice site are a relatively common cause of aberrant splicing (PMID: 17576681, 9536098). Algorithms developed to predict the effect of sequence changes on RNA splicing suggest that this variant may disrupt the consensus splice site. In summary, the available evidence is currently insufficient to determine the role of this variant in disease. Therefore, it has been classified as a Variant of Uncertain Significance.

Institute of Human Genetics Munich, TUM University Hospital
Classification: Likely pathogenic for Mitochondrial hypertrophic cardiomyopathy with lactic acidosis due to MTO1 deficiency. Last evaluated: 2017-11-16. Review status: criteria provided, single submitter. Criteria: Classification criteria August 2017. Collection method: clinical testing. Allele origin: inherited. Inheritance: Autosomal recessive inheritance. Affected: yes. Observed: 1 homozygote.

Literature cited by the submitters: PubMed 30369941 (cited by Labcorp Genetics (formerly Invitae), Labcorp); PubMed 17576681 (cited by Labcorp Genetics (formerly Invitae), Labcorp); PubMed 9536098 (cited by Labcorp Genetics (formerly Invitae), Labcorp).